The following is an entry in ClinVar:

ClinVar aggregate classification (germline): Uncertain significance (1 of 4 stars; one submission).

gnomAD v4.1: 3 of 1,614,088 alleles (0.00019%); highest among the groups gnomAD compares: African/African-American, 0.0013%; no homozygotes.

Submission:

Dasa
Classification: Uncertain significance. Last evaluated: 2024-06-06. Review status: criteria provided, single submitter. Criteria: DASA Assertion Criteria. Collection method: clinical testing. Allele origin: germline.
Comment: NM_001020658.2(PUM1):c.953G>C (p.Gly318Ala) is a missense variant that results in the substitution of glycine with alanine. This variant is rare in population databases. Computational prediction algorithms are consistent with a benign effect. The currently available literature and clinical evidence are not sufficient to establish a definitive association between this variant and the reported condition. Therefore, this variant is classified as a variant of uncertain significance.

NM_001020658.2(PUM1):c.953G>C (p.Gly318Ala)

Gene: PUM1 (pumilio RNA binding family member 1; minus strand). Cytogenetic location: 1p35.2.
Variant type: single nucleotide variant.
Coding change: c.953G>C on transcript NM_001020658.2 (MANE Select); coding-DNA position 953, G replaced by C.
Protein change: p.Gly318Ala; replaces glycine 318 with alanine.
Molecular consequence: missense variant.
Genome position (GRCh38, 1-based): chr1:30,992,595, C>G on the plus strand (G>C on the coding strand, the complement: PUM1 is on the minus strand). VCF-style: chr1-30992595-C-G. GRCh37 (hg19) VCF-style: chr1-31465442-C-G.
Other names: c.953G>C, p.Gly318Ala (NM_014676.3); short protein forms G318A.
Identifiers: ClinVar variation 4885221 (VCV004885221.2).